The following is an entry in ClinVar:

ClinVar aggregate classification (germline): Uncertain significance (1 of 4 stars; one submission).

Conditions:
Cardiovascular phenotype. Identifiers: MedGen CN230736.
Hereditary cancer-predisposing syndrome. Also called: Tumor predisposition; Hereditary neoplastic syndrome; Neoplastic Syndromes, Hereditary; Hereditary Cancer Syndrome. Identifiers: Orphanet 140162, MedGen C0027672, MeSH D009386, MONDO:0015356.

Submission:

Ambry Genetics
Classification: Uncertain significance for Cardiovascular phenotype; Hereditary cancer-predisposing syndrome. Last evaluated: 2025-05-27. Review status: criteria provided, single submitter. Criteria: Ambry Variant Classification Scheme 2023. Collection method: clinical testing. Allele origin: germline.
Comment: The p.A20G variant (also known as c.59C>G), located in coding exon 1 of the LZTR1 gene, results from a C to G substitution at nucleotide position 59. The alanine at codon 20 is replaced by glycine, an amino acid with similar properties. This amino acid position is conserved. In addition, this alteration is predicted to be tolerated by in silico analysis. Based on the available evidence, the clinical significance of this variant remains unclear.

NM_006767.4(LZTR1):c.59C>G (p.Ala20Gly)

Genes: LZTR1 (leucine zipper like post translational regulator 1; plus strand), LOC130067016 (ATAC-STARR-seq lymphoblastoid silent region 13504; plus strand). Cytogenetic location: 22q11.21.
Variant type: single nucleotide variant.
Coding change: c.59C>G on transcript NM_006767.4 (MANE Select); coding-DNA position 59, C replaced by G.
Protein change: p.Ala20Gly; replaces alanine 20 with glycine.
Molecular consequence: missense variant.
Genome position (GRCh38, 1-based): chr22:20,982,430, C>G. VCF-style: chr22-20982430-C-G. GRCh37 (hg19) VCF-style: chr22-21336719-C-G.
Other names: short protein forms A20G.
Identifiers: ClinVar variation 3994256 (VCV003994256.1).